The following is an entry in ClinVar:

NM_000208.4(INSR):c.2263C>T (p.Pro755Ser)

Gene: INSR (insulin receptor; minus strand). Cytogenetic location: 19p13.2.
Variant type: single nucleotide variant.
Coding change: c.2263C>T on transcript NM_000208.4 (MANE Select); coding-DNA position 2263, C replaced by T.
Protein change: p.Pro755Ser; replaces proline 755 with serine.
Molecular consequence: missense variant. On other transcripts: intron variant (1).
Genome position (GRCh38, 1-based): chr19:7,150,501, G>A on the plus strand (C>T on the coding strand, the complement: INSR is on the minus strand). VCF-style: chr19-7150501-G-A. GRCh37 (hg19) VCF-style: chr19-7150512-G-A.
Other names: c.2231+2225C>T (NM_001079817.3); short protein forms P755S.
Identifiers: ClinVar variation 796295 (VCV000796295.17), dbSNP rs148838377, ClinGen allele CA9135623.

ClinVar aggregate classification (germline): Conflicting classifications of pathogenicity. Review status: criteria provided, conflicting classifications (1 of 4 stars). 6 submissions from 4 submitters: Uncertain significance (4); Likely benign (1). 1 of the submissions does not count toward it. Last evaluated 2026-01-28.

Conditions:
Leprechaunism syndrome. Also called: LEPRECHAUNISM; Donohue syndrome. Identifiers: Orphanet 508, MedGen C0265344, MONDO:0009517, OMIM 246200.
INSR-related disorder.
Rabson-Mendenhall syndrome. Also called: Pineal Hyperplasia, Insulin-Resistant Diabetes Mellitus, and Somatic Abnormalities; Pineal hyperplasia AND diabetes mellitus syndrome; MENDENHALL SYNDROME. Identifiers: Orphanet 769, MedGen C0271695, MONDO:0009874, OMIM 262190.
Insulin-resistant diabetes mellitus AND acanthosis nigricans. Also called: Insulin-resistance syndrome type A; type A insulin resistance; DIABETES MELLITUS, INSULIN-RESISTANT, WITH ACANTHOSIS NIGRICANS, TYPE A; INSULIN RECEPTOR, DEFECT IN, WITH INSULIN-RESISTANT DIABETES MELLITUS AND ACANTHOSIS NIGRICANS; IRAN, TYPE A. Identifiers: Orphanet 2297, MedGen C0342278, MONDO:0012520, OMIM 610549.

Allele frequency attached by ClinVar (database versions not stated): gnomAD exomes 0.00006 and 0.00018; ExAC 0.00019; gnomAD 0.00056 and 0.00064; TOPMed 0.00068; ESP Exome Variant Server 0.00092.

Submissions (6):

Labcorp Genetics (formerly Invitae), Labcorp
Classification: Likely benign. Last evaluated: 2026-01-28. Review status: criteria provided, single submitter. Criteria: Invitae Variant Classification Sherloc (09022015). Collection method: clinical testing. Allele origin: germline.

Genetic Services Laboratory, University of Chicago
Classification: Uncertain significance. Last evaluated: 2021-11-15. Review status: criteria provided, single submitter. Criteria: ACMG Guidelines, 2015. Collection method: clinical testing. Allele origin: germline. Affected: no.
Comment: This sequence change does not appear to have been previously described in individuals with INSR-related disorders. This sequence change has been described in the gnomAD database with a frequency of 0.23% in the African subpopulation (dbSNP rs148838377). The p.Pro755Ser change affects a poorly conserved amino acid residue located in a domain of the INSR protein that is known to be functional. The p.Pro755Ser substitution appears to be benign using several in-silico pathogenicity prediction tools (SIFT, PolyPhen2, Align GVGD, REVEL). Due to insufficient evidence and the lack of functional studies, the clinical significance of the p.Pro755Ser change remains unknown at this time.

Illumina Laboratory Services, Illumina
Classification: Uncertain significance for Rabson-Mendenhall syndrome. Last evaluated: 2018-01-12. Review status: criteria provided, single submitter. Criteria: ICSL Variant Classification Criteria 13 December 2019. Collection method: clinical testing. Allele origin: germline.

Illumina Laboratory Services, Illumina
Classification: Uncertain significance for Leprechaunism syndrome. Last evaluated: 2018-01-12. Review status: criteria provided, single submitter. Criteria: ICSL Variant Classification Criteria 13 December 2019. Collection method: clinical testing. Allele origin: germline.

Illumina Laboratory Services, Illumina
Classification: Uncertain significance for Insulin-resistant diabetes mellitus AND acanthosis nigricans. Last evaluated: 2018-01-12. Review status: criteria provided, single submitter. Criteria: ICSL Variant Classification Criteria 13 December 2019. Collection method: clinical testing. Allele origin: germline.

PreventionGenetics, part of Exact Sciences
Classification: Likely benign for INSR-related condition. Last evaluated: 2022-04-29. Review status: no assertion criteria provided. Collection method: clinical testing. Allele origin: germline. Not counted in ClinVar's aggregate classification.
Comment: This variant is classified as likely benign based on ACMG/AMP sequence variant interpretation guidelines (Richards et al. 2015 PMID: 25741868, with internal and published modifications).